The following is an entry in ClinVar:

ClinVar aggregate classification (germline): Conflicting classifications of pathogenicity. Review status: criteria provided, conflicting classifications (1 of 4 stars). 7 submissions from 7 submitters: Uncertain significance (4); Likely benign (1). 2 of the submissions do not count toward it. Last evaluated 2026-01-26.

Conditions:
Hereditary cancer-predisposing syndrome. Also called: Tumor predisposition; Hereditary Cancer Syndrome; Hereditary neoplastic syndrome; Neoplastic Syndromes, Hereditary. Identifiers: Orphanet 140162, MedGen C0027672, MeSH D009386, MONDO:0015356.
Ataxia-telangiectasia syndrome (AT). Also called: Ataxia telangiectasia (A-T); LOUIS-BAR SYNDROME; Cerebello-oculocutaneous telangiectasia; Immunodeficiency with ataxia telangiectasia; ATAXIA-TELANGIECTASIA, COMPLEMENTATION GROUP A; ATAXIA-TELANGIECTASIA, FRESNO VARIANT. Identifiers: Orphanet 100, MedGen C0004135, MONDO:0008840, OMIM 208900.

Allele frequency attached by ClinVar (database versions not stated): gnomAD exomes below 0.00001 and 0.00001; gnomAD 0.00001; TOPMed 0.00001; ExAC 0.00002.

Submissions (7):

Labcorp Genetics (formerly Invitae), Labcorp
Classification: Uncertain significance for Ataxia-telangiectasia syndrome. Last evaluated: 2026-01-26. Review status: criteria provided, single submitter. Criteria: Invitae Variant Classification Sherloc (09022015). Collection method: clinical testing. Allele origin: germline.
Comment: This sequence change falls in intron 35 of the ATM gene. It does not directly change the encoded amino acid sequence of the ATM protein. It affects a nucleotide within the consensus splice site. This variant is present in population databases (rs777478613, gnomAD 0.004%). This variant has not been reported in the literature in individuals affected with ATM-related conditions. ClinVar contains an entry for this variant (Variation ID: 236735). Variants that disrupt the consensus splice site are a relatively common cause of aberrant splicing (PMID: 17576681, 9536098). Studies have shown that this variant is associated with inconclusive levels of altered splicing (internal data). In summary, the available evidence is currently insufficient to determine the role of this variant in disease. Therefore, it has been classified as a Variant of Uncertain Significance.

GeneDx
Classification: Uncertain significance. Last evaluated: 2025-05-16. Review status: criteria provided, single submitter. Criteria: GeneDx Variant Classification Process June 2021. Collection method: clinical testing. Allele origin: germline. Affected: yes.
Comment: Not observed at significant frequency in large population cohorts (gnomAD); In silico analysis is inconclusive as to whether the variant alters gene splicing. In the absence of RNA/functional studies, the actual effect of this sequence change is unknown.; Has not been previously published as pathogenic or benign to our knowledge; Also known as IVS37+6_IVS37+7del

Center for Genomic Medicine, Rigshospitalet, Copenhagen University Hospital
Classification: Uncertain significance. Last evaluated: 2025-03-04. Review status: criteria provided, single submitter. Criteria: ACMG Guidelines, 2015. Collection method: clinical testing. Allele origin: germline.

Clinical Genetics Laboratory, Skane University Hospital Lund
Classification: Uncertain significance. Last evaluated: 2023-05-05. Review status: criteria provided, single submitter. Criteria: ACMG Guidelines, 2015. Collection method: clinical testing. Allele origin: germline. Affected: yes.

Color Diagnostics, LLC DBA Color Health
Classification: Likely benign for Hereditary cancer-predisposing syndrome. Last evaluated: 2016-11-22. Review status: criteria provided, single submitter. Criteria: ACMG Guidelines, 2015. Collection method: clinical testing. Allele origin: germline.

Natera, Inc.
Classification: Uncertain significance for Ataxia-telangiectasia. Last evaluated: 2020-09-16. Review status: no assertion criteria provided. Collection method: clinical testing. Allele origin: germline. Not counted in ClinVar's aggregate classification.

Counsyl
Classification: Uncertain significance for Ataxia-telangiectasia syndrome. Last evaluated: 2017-05-08. Review status: no assertion criteria provided. Collection method: clinical testing. Allele origin: unknown. Not counted in ClinVar's aggregate classification.

Literature cited by the submitters: PubMed 17576681 (cited by Labcorp Genetics (formerly Invitae), Labcorp); PubMed 9536098 (cited by Labcorp Genetics (formerly Invitae), Labcorp).

NM_000051.4(ATM):c.5319+6_5319+7del

Gene: ATM (ATM serine/threonine kinase; plus strand). Cytogenetic location: 11q22.3.
Variant type: Deletion.
Coding change: c.5319+6_5319+7del on transcript NM_000051.4 (MANE Select); bases 6 to 7 of the intron after coding-DNA position 5319, 2 bases deleted (TT; older notation c.5319+6_5319+7delTT).
Molecular consequence: intron variant.
Genome position (GRCh38, 1-based): chr11:108,301,795-108,301,796, TT deleted. VCF-style (leftmost placement, unchanged base first): chr11-108301794-CTT-C. GRCh37 (hg19) VCF-style: chr11-108172521-CTT-C.
Other names: c.5319+6_5319+7delTT (NM_000051.4, NM_000051.3); c.5319+6_5319+7del (NM_001351834.2).
Identifiers: ClinVar variation 236735 (VCV000236735.19), dbSNP rs777478613, ClinGen allele CA6265671.
Genomic context (GRCh38, chr11:108,301,794, plus strand): 5'-TGACAACAGATCCAATGCTGGCCTATCTACAGCCTTTTAGAACATCAAGAAAAAAGGTCT[CTT>C]AAGTAATAAATGTTTATTGAATACCCAGCATATCTAAAACAGTTCTGTTTGCTGTGGGTC-3'